The following is an entry in ClinVar:

ClinVar aggregate classification (germline): Uncertain significance (1 of 4 stars; one submission).

Conditions:
Neuropathy, hereditary sensory, type 2C. Also called: KIF1A-Related HSAN2 (HSAN2C); Hereditary sensory and autonomic neuropathy type IIC. Identifiers: Orphanet 970, MedGen C3280168, MONDO:0013634, OMIM 614213.
Hereditary spastic paraplegia 30. Identifiers: Orphanet 101010, MedGen C5235139, MONDO:0012476.
Intellectual disability, autosomal dominant 9 (NESCAVS). Also called: NESCAV SYNDROME; KIF1A-Related Neurodevelopmental Disorder. Identifiers: Orphanet 662367, MedGen C5393830, MONDO:0013656, OMIM 614255.

Submission:

Labcorp Genetics (formerly Invitae), Labcorp
Classification: Uncertain significance for Hereditary spastic paraplegia 30; Neuropathy, hereditary sensory, type 2C; Intellectual disability, autosomal dominant 9. Last evaluated: 2023-07-18. Review status: criteria provided, single submitter. Criteria: Invitae Variant Classification Sherloc (09022015). Collection method: clinical testing. Allele origin: germline.
Comment: In summary, the available evidence is currently insufficient to determine the role of this variant in disease. Therefore, it has been classified as a Variant of Uncertain Significance. Algorithms developed to predict the effect of sequence changes on RNA splicing suggest that this variant may disrupt the consensus splice site. Advanced modeling of protein sequence and biophysical properties (such as structural, functional, and spatial information, amino acid conservation, physicochemical variation, residue mobility, and thermodynamic stability) performed at Invitae indicates that this missense variant is not expected to disrupt KIF1A protein function. This variant has not been reported in the literature in individuals affected with KIF1A-related conditions. This variant is not present in population databases (gnomAD no frequency). This sequence change replaces arginine, which is basic and polar, with leucine, which is neutral and non-polar, at codon 1261 of the KIF1A protein (p.Arg1261Leu).

NM_001244008.2(KIF1A):c.4085G>T (p.Arg1362Leu)

Gene: KIF1A (kinesin family member 1A; minus strand). Cytogenetic location: 2q37.3.
Variant type: single nucleotide variant.
Coding change: c.4085G>T on transcript NM_001244008.2 (MANE Select); coding-DNA position 4085, G replaced by T.
Protein change: p.Arg1362Leu; replaces arginine 1362 with leucine.
Molecular consequence: missense variant.
Genome position (GRCh38, 1-based): chr2:240,726,863, C>A on the plus strand (G>T on the coding strand, the complement: KIF1A is on the minus strand). VCF-style: chr2-240726863-C-A. GRCh37 (hg19) VCF-style: chr2-241666280-C-A.
Other names: c.3809G>T, p.Arg1270Leu (NM_001320705.2, NM_001379649.1); c.3836G>T, p.Arg1279Leu (NM_001330289.2); c.3884G>T, p.Arg1295Leu (NM_001330290.2, NM_001379648.1); c.4160G>T, p.Arg1387Leu (NM_001379631.1); c.4061G>T, p.Arg1354Leu (NM_001379632.1); c.4058G>T, p.Arg1353Leu (NM_001379633.1, NM_001379645.1); c.3911G>T, p.Arg1304Leu (NM_001379634.1); c.3908G>T, p.Arg1303Leu (NM_001379635.1, NM_001379646.1); and 7 more; short protein forms R1354L, R1261L, R1278L, R1295L, R1362L, R1269L, R1279L, R1303L.
Identifiers: ClinVar variation 2947756 (VCV002947756.3), dbSNP rs753620726, ClinGen allele CA351309150.